The following is an entry in ClinVar:

NM_006204.4(PDE6C):c.88G>A (p.Val30Met)

Gene: PDE6C (phosphodiesterase 6C; plus strand). Cytogenetic location: 10q23.33.
Variant type: single nucleotide variant.
Coding change: c.88G>A on transcript NM_006204.4 (MANE Select); coding-DNA position 88, G replaced by A.
Protein change: p.Val30Met; replaces valine 30 with methionine.
Molecular consequence: missense variant.
Genome position (GRCh38, 1-based): chr10:93,612,813, G>A. VCF-style: chr10-93612813-G-A. GRCh37 (hg19) VCF-style: chr10-95372570-G-A.
Other names: short protein forms V30M.
Identifiers: ClinVar variation 2133644 (VCV002133644.4), dbSNP rs2494085221, ClinGen allele CA377621571.

ClinVar aggregate classification (germline): Uncertain significance (1 of 4 stars; one submission).

Submission:

Labcorp Genetics (formerly Invitae), Labcorp
Classification: Uncertain significance. Last evaluated: 2022-05-04. Review status: criteria provided, single submitter. Criteria: Invitae Variant Classification Sherloc (09022015). Collection method: clinical testing. Allele origin: germline.
Comment: In summary, the available evidence is currently insufficient to determine the role of this variant in disease. Therefore, it has been classified as a Variant of Uncertain Significance. Algorithms developed to predict the effect of missense changes on protein structure and function output the following: SIFT: "Tolerated"; PolyPhen-2: "Benign"; Align-GVGD: "Class C0". The methionine amino acid residue is found in multiple mammalian species, which suggests that this missense change does not adversely affect protein function. This variant has not been reported in the literature in individuals affected with PDE6C-related conditions. This variant is not present in population databases (gnomAD no frequency). This sequence change replaces valine, which is neutral and non-polar, with methionine, which is neutral and non-polar, at codon 30 of the PDE6C protein (p.Val30Met).